The following is an entry in ClinVar:

NM_152743.4(BRAT1):c.698C>T (p.Thr233Met)

Gene: BRAT1 (BRCA1 associated ATM activator 1; minus strand). Cytogenetic location: 7p22.3.
Variant type: single nucleotide variant.
Coding change: c.698C>T on transcript NM_152743.4 (MANE Select); coding-DNA position 698, C replaced by T.
Protein change: p.Thr233Met; replaces threonine 233 with methionine.
Molecular consequence: missense variant. On other transcripts: non-coding transcript variant (1).
Genome position (GRCh38, 1-based): chr7:2,543,695, G>A on the plus strand (C>T on the coding strand, the complement: BRAT1 is on the minus strand). VCF-style: chr7-2543695-G-A. GRCh37 (hg19) VCF-style: chr7-2583329-G-A.
Other names: c.698C>T, p.Thr233Met (NM_001350626.2); c.173C>T, p.Thr58Met (NM_001350627.2); c.698C>T (NM_152743.3); short protein forms T233M, T58M.
Identifiers: ClinVar variation 1401959 (VCV001401959.7), dbSNP rs138784645, ClinGen allele CA152671519.

ClinVar aggregate classification (germline): Uncertain significance. Review status: criteria provided, multiple submitters, no conflicts (2 of 4 stars). 3 submissions from 3 submitters: Uncertain significance (3). Last evaluated 2025-09-28.

Conditions:
Neonatal-onset encephalopathy with rigidity and seizures. Also called: Lethal neonatal spasticity-epileptic encephalopathy syndrome. Identifiers: Orphanet 435845, MedGen C3281029, MONDO:0013784, OMIM 614498.
Inborn genetic diseases. Identifiers: MedGen C0950123, MeSH D030342.

Allele frequency attached by ClinVar (database versions not stated): gnomAD exomes 0.00001 and below 0.00001; gnomAD 0.00002; 1000 Genomes Project 30x 0.00016; 1000 Genomes Project 0.00020; TOPMed below 0.00001.
gnomAD v4.1: 9 of 1,575,262 alleles (0.00057%); highest among the groups gnomAD compares: Admixed American, 0.0086%; no homozygotes.

Submissions (3):

Ambry Genetics
Classification: Uncertain significance for Inborn genetic diseases. Last evaluated: 2025-09-28. Review status: criteria provided, single submitter. Criteria: Ambry Variant Classification Scheme 2023. Collection method: clinical testing. Allele origin: germline.

GeneDx
Classification: Uncertain significance. Last evaluated: 2024-09-04. Review status: criteria provided, single submitter. Criteria: GeneDx Variant Classification Process June 2021. Collection method: clinical testing. Allele origin: germline. Affected: yes.
Comment: Not observed at significant frequency in large population cohorts (gnomAD); In silico analysis indicates that this missense variant does not alter protein structure/function; Has not been previously published as pathogenic or benign to our knowledge

Labcorp Genetics (formerly Invitae), Labcorp
Classification: Uncertain significance for Neonatal-onset encephalopathy with rigidity and seizures. Last evaluated: 2022-06-13. Review status: criteria provided, single submitter. Criteria: Invitae Variant Classification Sherloc (09022015). Collection method: clinical testing. Allele origin: germline.
Comment: In summary, the available evidence is currently insufficient to determine the role of this variant in disease. Therefore, it has been classified as a Variant of Uncertain Significance. Algorithms developed to predict the effect of missense changes on protein structure and function are either unavailable or do not agree on the potential impact of this missense change (SIFT: "Deleterious"; PolyPhen-2: "Benign"; Align-GVGD: "Class C0"). This variant has not been reported in the literature in individuals affected with BRAT1-related conditions. This variant is present in population databases (rs138784645, gnomAD 0.009%). This sequence change replaces threonine, which is neutral and polar, with methionine, which is neutral and non-polar, at codon 233 of the BRAT1 protein (p.Thr233Met).